The following is an entry in ClinVar:

ClinVar aggregate classification (germline): Likely pathogenic (1 of 4 stars; one submission).

Submission:

Labcorp Genetics (formerly Invitae), Labcorp
Classification: Likely pathogenic. Last evaluated: 2022-11-15. Review status: criteria provided, single submitter. Criteria: Invitae Variant Classification Sherloc (09022015). Collection method: clinical testing. Allele origin: germline.
Comment: Algorithms developed to predict the effect of sequence changes on RNA splicing suggest that this variant may disrupt the consensus splice site. In summary, the currently available evidence indicates that the variant is pathogenic, but additional data are needed to prove that conclusively. Therefore, this variant has been classified as Likely Pathogenic. ClinVar contains an entry for this variant (Variation ID: 1067871). This variant has not been reported in the literature in individuals affected with TTLL5-related conditions. This variant is not present in population databases (gnomAD no frequency). This sequence change affects a splice site in intron 7 of the TTLL5 gene. It is expected to disrupt RNA splicing. Variants that disrupt the donor or acceptor splice site typically lead to a loss of protein function (PMID: 16199547), and loss-of-function variants in TTLL5 are known to be pathogenic (PMID: 24791901, 27162334).

Literature cited by the submitters: PubMed 16199547; PubMed 24791901; PubMed 27162334.

NM_015072.5(TTLL5):c.585+2_585+11del

Gene: TTLL5 (tubulin tyrosine ligase like 5; plus strand). Cytogenetic location: 14q24.3.
Variant type: Deletion.
Coding change: c.585+2_585+11del on transcript NM_015072.5 (MANE Select); the canonical splice donor site of the intron after coding-DNA position 585 through 11 bases into the intron after coding-DNA position 585, 10 bases deleted (TAAGTATGCA; older notation c.585+2_585+11delTAAGTATGCA).
Molecular consequence: splice donor variant.
Genome position (GRCh38, 1-based): chr14:75,699,272-75,699,281, TAAGTATGCA deleted. VCF-style (leftmost placement, unchanged base first): chr14-75699271-GTAAGTATGCA-G. GRCh37 (hg19) VCF-style: chr14-76165614-GTAAGTATGCA-G.
Identifiers: ClinVar variation 1067871 (VCV001067871.7), dbSNP rs2140155252, ClinGen allele CA2499222733.